The following is an entry in ClinVar:

ClinVar aggregate classification (germline): Likely pathogenic (1 of 4 stars; one submission).

Conditions:
Tay-Sachs disease (TSD). Also called: Hexosaminidase A Deficiency; HEXA Disorders; GM2 gangliosidosis, type 1; Hexosaminidase alpha-subunit deficiency (variant B); Sphingolipidosis, Tay-Sachs; HEXA DEFICIENCY. Identifiers: Orphanet 845, MedGen C0039373, MONDO:0010100, OMIM 272800.

Submission:

Myriad Genetics, Inc.
Classification: Likely pathogenic for Tay-Sachs disease. Last evaluated: 2019-05-03. Review status: criteria provided, single submitter. Criteria: Myriad Women's Health Autosomal Recessive and X-Linked Classification Criteria (2019). Collection method: clinical testing. Allele origin: unknown.
Comment: NM_000520.4(HEXA):c.1119G>A(W373*) is expected to be pathogenic in the context of hexosaminidase A deficiency. This variant is predicted to lead to an abnormal or absent protein product due to the creation of a premature termination codon in HEXA, a gene where loss-of-function variants are known to be pathogenic. Please note: this variant was assessed in the context of healthy population screening.

NM_000520.6(HEXA):c.1119G>A (p.Trp373Ter)

Gene: HEXA (hexosaminidase subunit alpha; minus strand). Cytogenetic location: 15q23.
Variant type: single nucleotide variant.
Coding change: c.1119G>A on transcript NM_000520.6 (MANE Select); coding-DNA position 1119, G replaced by A.
Protein change: p.Trp373Ter; replaces tryptophan 373 with a stop codon.
Molecular consequence: nonsense.
Genome position (GRCh38, 1-based): chr15:72,347,713, C>T on the plus strand (G>A on the coding strand, the complement: HEXA is on the minus strand). VCF-style: chr15-72347713-C-T. GRCh37 (hg19) VCF-style: chr15-72640054-C-T.
Other names: c.1152G>A, p.Trp384Ter (NM_001318825.2); short protein forms W373*, W384*.
Identifiers: ClinVar variation 983876 (VCV000983876.3), dbSNP rs2088635505, ClinGen allele CA393061698.